The following is an entry in ClinVar:

NM_139027.6(ADAMTS13):c.3800G>C (p.Gly1267Ala)

Gene: ADAMTS13 (ADAM metallopeptidase with thrombospondin type 1 motif 13; plus strand). Cytogenetic location: 9q34.2.
Variant type: single nucleotide variant.
Coding change: c.3800G>C on transcript NM_139027.6 (MANE Select); coding-DNA position 3800, G replaced by C.
Protein change: p.Gly1267Ala; replaces glycine 1267 with alanine.
Molecular consequence: missense variant.
Genome position (GRCh38, 1-based): chr9:133,457,985, G>C. VCF-style: chr9-133457985-G-C. GRCh37 (hg19) VCF-style: chr9-136323107-G-C.
Other names: c.3968G>C, p.Gly1323Ala (NM_139025.5); c.3707G>C, p.Gly1236Ala (NM_139026.6); short protein forms G1323A, G1267A, G1236A.
Identifiers: ClinVar variation 3704557 (VCV003704557.1).
Genomic context (GRCh38, chr9:133,457,985, plus strand): 5'-TCTTTGGGCCCTGGGGTGAAATCGTGAGCCCCTCGCTGAGTCCAGCCACGAGTAATGCAG[G>C]GGGCTGCCGGCTCTTCATTAATGTGGCTCCGCACGCACGGATTGCCATCCATGCCCTGGC-3'
Protein context (NP_620596.2, residues 1257-1277): PSLSPATSNA[Gly1267Ala]GCRLFINVAP

ClinVar aggregate classification (germline): Uncertain significance (1 of 4 stars; one submission).

gnomAD v4.1: 42 of 1,613,552 alleles (0.0026%); highest among the groups gnomAD compares: Middle Eastern, 0.016%; no homozygotes.

Submission:

Labcorp Genetics (formerly Invitae), Labcorp
Classification: Uncertain significance. Last evaluated: 2024-10-01. Review status: criteria provided, single submitter. Criteria: Invitae Variant Classification Sherloc (09022015). Collection method: clinical testing. Allele origin: germline.
Comment: This sequence change replaces glycine, which is neutral and non-polar, with alanine, which is neutral and non-polar, at codon 1323 of the ADAMTS13 protein (p.Gly1323Ala). This variant is present in population databases (rs781880041, gnomAD 0.003%). This variant has not been reported in the literature in individuals affected with ADAMTS13-related conditions. An algorithm developed to predict the effect of missense changes on protein structure and function outputs the following: PolyPhen-2: "Benign". The alanine amino acid residue is found in multiple mammalian species, which suggests that this missense change does not adversely affect protein function. In summary, the available evidence is currently insufficient to determine the role of this variant in disease. Therefore, it has been classified as a Variant of Uncertain Significance.